The following is an entry in ClinVar:

ClinVar aggregate classification (germline): Uncertain significance (1 of 4 stars; one submission).

Conditions:
Cystic fibrosis (CF). Also called: MUCOVISCIDOSIS. Identifiers: Orphanet 586, MedGen C0010674, MONDO:0009061, OMIM 219700. Disease mechanism: loss of function.

Allele frequency attached by ClinVar (database versions not stated): gnomAD exomes below 0.00001; TOPMed below 0.00001.
gnomAD v4.1: 3 of 1,613,922 alleles (0.00019%); highest among the groups gnomAD compares: East Asian, 0.0045%; no homozygotes.

Submission:

Labcorp Genetics (formerly Invitae), Labcorp
Classification: Uncertain significance for Cystic fibrosis. Last evaluated: 2021-08-01. Review status: criteria provided, single submitter. Criteria: Invitae Variant Classification Sherloc (09022015). Collection method: clinical testing. Allele origin: germline.
Comment: In summary, the available evidence is currently insufficient to determine the role of this variant in disease. Therefore, it has been classified as a Variant of Uncertain Significance. Algorithms developed to predict the effect of missense changes on protein structure and function are either unavailable or do not agree on the potential impact of this missense change (SIFT: "Deleterious"; PolyPhen-2: "Benign"; Align-GVGD: "Class C0"). This variant has not been reported in the literature in individuals with CFTR-related conditions. This variant is not present in population databases (ExAC no frequency). This sequence change replaces glutamic acid with aspartic acid at codon 664 of the CFTR protein (p.Glu664Asp). The glutamic acid residue is moderately conserved and there is a small physicochemical difference between glutamic acid and aspartic acid.

NM_000492.4(CFTR):c.1992G>T (p.Glu664Asp)

Gene: CFTR (CF transmembrane conductance regulator; plus strand). Cytogenetic location: 7q31.2.
Variant type: single nucleotide variant.
Coding change: c.1992G>T on transcript NM_000492.4 (MANE Select); coding-DNA position 1992, G replaced by T.
Protein change: p.Glu664Asp; replaces glutamic acid 664 with aspartic acid.
Molecular consequence: missense variant.
Genome position (GRCh38, 1-based): chr7:117,592,159, G>T. VCF-style: chr7-117592159-G-T. GRCh37 (hg19) VCF-style: chr7-117232213-G-T.
Other names: short protein forms E664D.
Identifiers: ClinVar variation 1375494 (VCV001375494.8), dbSNP rs1792036683, ClinGen allele CA368979152.
Genomic context (GRCh38, chr7:117,592,159, plus strand): 5'-CATGGGATGTGATTCTTTCGACCAATTTAGTGCAGAAAGAAGAAATTCAATCCTAACTGA[G>T]ACCTTACACCGTTTCTCATTAGAAGGAGATGCTCCTGTCTCCTGGACAGAAACAAAAAAA-3'
Protein context (NP_000483.3, residues 654-674): SAERRNSILT[Glu664Asp]TLHRFSLEGD